The following is an entry in ClinVar:

NM_024675.4(PALB2):c.1382G>T (p.Ser461Ile)

Gene: PALB2 (partner and localizer of BRCA2; minus strand). Cytogenetic location: 16p12.2.
Variant type: single nucleotide variant.
Coding change: c.1382G>T on transcript NM_024675.4 (MANE Select); coding-DNA position 1382, G replaced by T.
Protein change: p.Ser461Ile; replaces serine 461 with isoleucine.
Molecular consequence: missense variant.
Genome position (GRCh38, 1-based): chr16:23,635,164, C>A on the plus strand (G>T on the coding strand, the complement: PALB2 is on the minus strand). VCF-style: chr16-23635164-C-A. GRCh37 (hg19) VCF-style: chr16-23646485-C-A.
Other names: short protein forms S461I.
Identifiers: ClinVar variation 947358 (VCV000947358.13), dbSNP rs1966972801, ClinGen allele CA395131386.

ClinVar aggregate classification (germline): Uncertain significance. Review status: criteria provided, multiple submitters, no conflicts (2 of 4 stars). 3 submissions from 3 submitters: Uncertain significance (3). Last evaluated 2025-09-30.

Conditions:
Hereditary cancer-predisposing syndrome. Also called: Hereditary neoplastic syndrome; Neoplastic Syndromes, Hereditary; Tumor predisposition; Hereditary Cancer Syndrome. Identifiers: Orphanet 140162, MedGen C0027672, MeSH D009386, MONDO:0015356.
Familial cancer of breast. Also called: Hereditary breast cancer; hereditary breast carcinoma; BREAST CANCER, FAMILIAL. Identifiers: Orphanet 227535, MedGen C0346153, MONDO:0016419, OMIM 114480. Disease mechanism: loss of function.

Submissions (3):

Labcorp Genetics (formerly Invitae), Labcorp
Classification: Uncertain significance for Familial cancer of breast. Last evaluated: 2025-09-30. Review status: criteria provided, single submitter. Criteria: Invitae Variant Classification Sherloc (09022015). Collection method: clinical testing. Allele origin: germline.
Comment: This sequence change replaces serine, which is neutral and polar, with isoleucine, which is neutral and non-polar, at codon 461 of the PALB2 protein (p.Ser461Ile). This variant is not present in population databases (gnomAD no frequency). This variant has not been reported in the literature in individuals affected with PALB2-related conditions. ClinVar contains an entry for this variant (Variation ID: 947358). Invitae Evidence Modeling of protein sequence and biophysical properties (such as structural, functional, and spatial information, amino acid conservation, physicochemical variation, residue mobility, and thermodynamic stability) has been performed for this missense variant. However, the output from this modeling did not meet the statistical confidence thresholds required to predict the impact of this variant on PALB2 protein function. In summary, the available evidence is currently insufficient to determine the role of this variant in disease. Therefore, it has been classified as a Variant of Uncertain Significance.

Ambry Genetics
Classification: Uncertain significance for Hereditary cancer-predisposing syndrome. Last evaluated: 2024-10-12. Review status: criteria provided, single submitter. Criteria: Ambry Variant Classification Scheme 2023. Collection method: clinical testing. Allele origin: germline.
Comment: The p.S461I variant (also known as c.1382G>T), located in coding exon 4 of the PALB2 gene, results from a G to T substitution at nucleotide position 1382. The serine at codon 461 is replaced by isoleucine, an amino acid with dissimilar properties. This amino acid position is conserved. In addition, this alteration is predicted to be tolerated by in silico analysis. Based on the available evidence, the clinical significance of this variant remains unclear.

GeneDx
Classification: Uncertain significance. Last evaluated: 2019-08-19. Review status: criteria provided, single submitter. Criteria: GeneDx Variant Classification Process June 2021. Collection method: clinical testing. Allele origin: germline. Affected: yes.
Comment: Not observed in large population cohorts (Lek et al., 2016); In silico analysis, which includes protein predictors and evolutionary conservation, supports a deleterious effect; Has not been previously published as pathogenic or benign to our knowledge